The following is an entry in ClinVar:

ClinVar aggregate classification (germline): Pathogenic/Likely pathogenic. Review status: criteria provided, multiple submitters, no conflicts (2 of 4 stars). 2 submissions from 2 submitters: Pathogenic (1); Likely pathogenic (1). Last evaluated 2024-02-27.

Conditions:
Intellectual developmental disorder, autosomal dominant 47. Also called: MENTAL RETARDATION, AUTOSOMAL DOMINANT 47; Intellectual disability, autosomal dominant 47. Identifiers: Orphanet 502434, MedGen C4539951, MONDO:0030912, OMIM 617635.

Submissions (2):

GeneDx
Classification: Pathogenic. Last evaluated: 2024-02-27. Review status: criteria provided, single submitter. Criteria: GeneDx Variant Classification Process June 2021. Collection method: clinical testing. Allele origin: germline. Affected: yes.
Comment: De novo variant with confirmed parentage or apparently de novo variant in patients with features consistent with STAG1-related cohesinopathy referred for genetic testing at GeneDx and in published literature (PMID: 30158690); Not observed at significant frequency in large population cohorts (gnomAD); In silico analysis supports that this missense variant has a deleterious effect on protein structure/function; This variant is associated with the following publications: (PMID: 30158690)

Baylor Genetics
Classification: Likely pathogenic for Mental retardation, autosomal dominant 47. Last evaluated: 2018-03-08. Review status: criteria provided, single submitter. Criteria: ACMG Guidelines, 2015. Collection method: clinical testing. Allele origin: de novo. Affected: yes. Observed: 1 variant allele.

Literature cited by the submitters: PubMed 30158690 (cited by Baylor Genetics).

NM_005862.3(STAG1):c.1129C>T (p.Arg377Cys)

Gene: STAG1 (STAG1 cohesin complex component; minus strand). Cytogenetic location: 3q22.3.
Variant type: single nucleotide variant.
Coding change: c.1129C>T on transcript NM_005862.3 (MANE Select); coding-DNA position 1129, C replaced by T.
Protein change: p.Arg377Cys; replaces arginine 377 with cysteine.
Molecular consequence: missense variant.
Genome position (GRCh38, 1-based): chr3:136,472,489, G>A on the plus strand (C>T on the coding strand, the complement: STAG1 is on the minus strand). VCF-style: chr3-136472489-G-A. GRCh37 (hg19) VCF-style: chr3-136191331-G-A.
Other names: short protein forms R377C.
Identifiers: ClinVar variation 523187 (VCV000523187.3), dbSNP rs1559824939, ClinGen allele CA354651621.